The following is an entry in ClinVar:

ClinVar aggregate classification (germline): Uncertain significance (1 of 4 stars; one submission).

Conditions:
Cardiovascular phenotype. Identifiers: MedGen CN230736.

Submission:

Ambry Genetics
Classification: Uncertain significance for Cardiovascular phenotype. Last evaluated: 2023-05-21. Review status: criteria provided, single submitter. Criteria: Ambry Variant Classification Scheme 2023. Collection method: clinical testing. Allele origin: germline.
Comment: The p.K2476N variant (also known as c.7428G>T), located in coding exon 20 of the TNXB gene, results from a G to T substitution at nucleotide position 7428. The lysine at codon 2476 is replaced by asparagine, an amino acid with similar properties. This amino acid position is conserved. In addition, this alteration is predicted to be tolerated by in silico analysis. Since supporting evidence is limited at this time, the clinical significance of this alteration remains unclear.

NM_001365276.2(TNXB):c.7428G>T (p.Lys2476Asn)

Gene: TNXB (tenascin XB; minus strand). Cytogenetic location: 6p21.33.
Variant type: single nucleotide variant.
Coding change: c.7428G>T on transcript NM_001365276.2 (MANE Select); coding-DNA position 7428, G replaced by T.
Protein change: p.Lys2476Asn; replaces lysine 2476 with asparagine.
Molecular consequence: missense variant.
Genome position (GRCh38, 1-based): chr6:32,061,461, C>A on the plus strand (G>T on the coding strand, the complement: TNXB is on the minus strand). VCF-style: chr6-32061461-C-A. GRCh37 (hg19) VCF-style: chr6-32029238-C-A.
Other names: c.7428G>T, p.Lys2476Asn (NM_019105.8); short protein forms K2476N.
Identifiers: ClinVar variation 2565749 (VCV002565749.2), dbSNP rs2483508187, ClinGen allele CA363552346.
Genomic context (GRCh38, chr6:32,061,461, plus strand): 5'-CACGCCCACGGTGGACACCGGGCCCACGCGCCGCCCCTCGTGGAGGCCATACAGGTGCAT[C>A]TTGTATTTGCGCCCAGGCTCCAGGCCCCCCACGGTGACCTCGCTCTCCTCGCCCCCAACA-3'
Protein context (NP_001352205.1, residues 2466-2486): VGGLEPGRKY[Lys2476Asn]MHLYGLHEGR